The following is an entry in ClinVar:

NM_001195263.2(PDZD7):c.2762A>G (p.Gln921Arg)

Gene: PDZD7 (PDZ domain containing 7; minus strand). Cytogenetic location: 10q24.31.
Variant type: single nucleotide variant.
Coding change: c.2762A>G on transcript NM_001195263.2 (MANE Select); coding-DNA position 2762, A replaced by G.
Protein change: p.Gln921Arg; replaces glutamine 921 with arginine.
Molecular consequence: missense variant.
Genome position (GRCh38, 1-based): chr10:101,008,807, T>C on the plus strand (A>G on the coding strand, the complement: PDZD7 is on the minus strand). VCF-style: chr10-101008807-T-C. GRCh37 (hg19) VCF-style: chr10-102768564-T-C.
Other names: short protein forms Q921R.
Identifiers: ClinVar variation 1481596 (VCV001481596.8), dbSNP rs2133992998, ClinGen allele CA378223395.

ClinVar aggregate classification (germline): Uncertain significance (1 of 4 stars; one submission).

Allele frequency attached by ClinVar (database versions not stated): gnomAD exomes below 0.00001.
gnomAD v4.1: 1 of 1,522,962 alleles (0.000066%); highest among the groups gnomAD compares: Non-Finnish European, 0.000088%; no homozygotes.

Submission:

Labcorp Genetics (formerly Invitae), Labcorp
Classification: Uncertain significance. Last evaluated: 2025-04-28. Review status: criteria provided, single submitter. Criteria: Invitae Variant Classification Sherloc (09022015). Collection method: clinical testing. Allele origin: germline.
Comment: This sequence change replaces glutamine, which is neutral and polar, with arginine, which is basic and polar, at codon 921 of the PDZD7 protein (p.Gln921Arg). This variant is not present in population databases (gnomAD no frequency). This variant has not been reported in the literature in individuals affected with PDZD7-related conditions. ClinVar contains an entry for this variant (Variation ID: 1481596). Experimental studies and prediction algorithms are not available or were not evaluated, and the functional significance of this variant is currently unknown. In summary, the available evidence is currently insufficient to determine the role of this variant in disease. Therefore, it has been classified as a Variant of Uncertain Significance.